The following is an entry in ClinVar:

NM_001267550.2(TTN):c.88177del (p.Thr29393fs)

Genes: TTN (titin; minus strand), TTN-AS1 (TTN antisense RNA 1; plus strand). Cytogenetic location: 2q31.2.
Variant type: Deletion.
Coding change: c.88177del on transcript NM_001267550.2 (MANE Select); coding-DNA position 88177, one base deleted (A; older notation c.88177delA).
Protein change: p.Thr29393fs; shifts the reading frame from threonine 29393.
Molecular consequence: frameshift variant.
Genome position (GRCh38, 1-based): chr2:178,556,977, T deleted on the plus strand (A on the coding strand, the reverse complement: TTN is on the minus strand); the first of 3 consecutive T bases (chr2:178,556,977-178,556,979); deleting any one gives the same sequence. VCF-style (leftmost placement, unchanged base first): chr2-178556976-GT-G. GRCh37 (hg19) VCF-style: chr2-179421703-GT-G.
Other names: c.83254del, p.Thr27752fs (NM_001256850.1); c.60982del, p.Thr20328fs (NM_003319.4); c.80473del, p.Thr26825fs (NM_133378.4); c.61357del, p.Thr20453fs (NM_133432.3); c.61558del, p.Thr20520fs (NM_133437.4); c.88177delA (NM_001267550.2); short protein forms T20453fs, T26825fs, T27752fs, T20520fs, T29393fs, T20328fs.
Identifiers: ClinVar variation 647217 (VCV000647217.9), dbSNP rs1575576927, ClinGen allele CA915942188.

ClinVar aggregate classification (germline): Likely pathogenic (1 of 4 stars; one submission).

Conditions:
Dilated cardiomyopathy 1G (CMD1G). Identifiers: Orphanet 154, MedGen C1858763, MONDO:0011400, OMIM 604145.
Autosomal recessive limb-girdle muscular dystrophy type 2J (LGMDR10). Also called: Limb-girdle muscular dystrophy, type 2J; MUSCULAR DYSTROPHY, LIMB-GIRDLE, AUTOSOMAL RECESSIVE 10. Identifiers: Orphanet 140922, MedGen C1837342, MONDO:0012127, OMIM 608807.

Submission:

Labcorp Genetics (formerly Invitae), Labcorp
Classification: Likely pathogenic for Dilated cardiomyopathy 1G; Autosomal recessive limb-girdle muscular dystrophy type 2J. Last evaluated: 2018-10-16. Review status: criteria provided, single submitter. Criteria: Invitae Variant Classification Sherloc (09022015). Collection method: clinical testing. Allele origin: germline.
Comment: In summary, the currently available evidence indicates that the variant is pathogenic, but additional data are needed to prove that conclusively. Therefore, this variant has been classified as Likely Pathogenic. This variant is located in the A band of TTN (PMID: 25589632). Truncating variants in this region are significantly overrepresented in patients affected with dilated cardiomyopathy (PMID: 25589632). Truncating variants in this region have also been reported in individuals affected with autosomal recessive centronuclear myopathy (PMID: 23975875). This variant has not been reported in the literature in individuals with TTN-related disease. This variant is not present in population databases (ExAC no frequency). This sequence change results in a premature translational stop signal in the TTN gene (p.Thr29393Leufs*8). While this is not anticipated to result in nonsense mediated decay, it is expected to create a truncated TTN protein.

Literature cited by the submitters: PubMed 25589632; PubMed 23975875.